The following is an entry in ClinVar:

NM_007194.4(CHEK2):c.406T>G (p.Tyr136Asp)

Gene: CHEK2 (checkpoint kinase 2; minus strand). Cytogenetic location: 22q12.1.
Variant type: single nucleotide variant.
Coding change: c.406T>G on transcript NM_007194.4 (MANE Select); coding-DNA position 406, T replaced by G.
Protein change: p.Tyr136Asp; replaces tyrosine 136 with aspartic acid.
Molecular consequence: missense variant.
Genome position (GRCh38, 1-based): chr22:28,725,281, A>C on the plus strand (T>G on the coding strand, the complement: CHEK2 is on the minus strand). VCF-style: chr22-28725281-A-C. GRCh37 (hg19) VCF-style: chr22-29121269-A-C.
Other names: c.535T>G, p.Tyr179Asp (NM_001005735.3); c.-372T>G (NM_001257387.3); c.406T>G, p.Tyr136Asp (NM_001349956.3, NM_145862.3); short protein forms Y136D, Y179D.
Identifiers: ClinVar variation 530203 (VCV000530203.9), dbSNP rs1555927222, ClinGen allele CA411107993.

ClinVar aggregate classification (germline): Uncertain significance (1 of 4 stars; one submission).

Conditions:
Familial cancer of breast. Also called: BREAST CANCER, FAMILIAL; Hereditary breast cancer; hereditary breast carcinoma. Identifiers: Orphanet 227535, MedGen C0346153, MONDO:0016419, OMIM 114480. Disease mechanism: loss of function.

Submission:

Labcorp Genetics (formerly Invitae), Labcorp
Classification: Uncertain significance for Familial cancer of breast. Last evaluated: 2023-07-12. Review status: criteria provided, single submitter. Criteria: Invitae Variant Classification Sherloc (09022015). Collection method: clinical testing. Allele origin: germline.
Comment: This sequence change replaces tyrosine, which is neutral and polar, with aspartic acid, which is acidic and polar, at codon 136 of the CHEK2 protein (p.Tyr136Asp). This variant is not present in population databases (gnomAD no frequency). This variant has not been reported in the literature in individuals affected with CHEK2-related conditions. ClinVar contains an entry for this variant (Variation ID: 530203). An algorithm developed to predict the effect of missense changes on protein structure and function (PolyPhen-2) suggests that this variant is likely to be disruptive. In summary, the available evidence is currently insufficient to determine the role of this variant in disease. Therefore, it has been classified as a Variant of Uncertain Significance.